The following is an entry in ClinVar:

ClinVar aggregate classification (germline): Uncertain significance. Review status: criteria provided, multiple submitters, no conflicts (2 of 4 stars). 2 submissions from 2 submitters: Uncertain significance (2). Last evaluated 2025-02-26.

Conditions:
Gorlin syndrome. Also called: Basal cell nevus syndrome; Nevoid Basal Cell Carcinoma Syndrome. Identifiers: Orphanet 377, MedGen C0004779, MONDO:0007187.
Hereditary cancer-predisposing syndrome. Also called: Neoplastic Syndromes, Hereditary; Hereditary Cancer Syndrome; Tumor predisposition; Hereditary neoplastic syndrome. Identifiers: Orphanet 140162, MedGen C0027672, MeSH D009386, MONDO:0015356.

Allele frequency attached by ClinVar (database versions not stated): gnomAD exomes below 0.00001; TOPMed 0.00001.
gnomAD v4.1: 1 of 1,614,148 alleles (0.000062%); highest among the groups gnomAD compares: Non-Finnish European, 0.000085%; no homozygotes.

Submissions (2):

Ambry Genetics
Classification: Uncertain significance for Hereditary cancer-predisposing syndrome. Last evaluated: 2025-02-26. Review status: criteria provided, single submitter. Criteria: Ambry Variant Classification Scheme 2023. Collection method: clinical testing. Allele origin: germline.
Comment: The p.R906C variant (also known as c.2716C>T), located in coding exon 17 of the PTCH1 gene, results from a C to T substitution at nucleotide position 2716. The arginine at codon 906 is replaced by cysteine, an amino acid with highly dissimilar properties. This amino acid position is highly conserved in available vertebrate species. In addition, this alteration is predicted to be deleterious by in silico analysis. Since supporting evidence is limited at this time, the clinical significance of this alteration remains unclear.

Labcorp Genetics (formerly Invitae), Labcorp
Classification: Uncertain significance for Gorlin syndrome. Last evaluated: 2024-05-22. Review status: criteria provided, single submitter. Criteria: Invitae Variant Classification Sherloc (09022015). Collection method: clinical testing. Allele origin: germline.
Comment: This sequence change replaces arginine, which is basic and polar, with cysteine, which is neutral and slightly polar, at codon 906 of the PTCH1 protein (p.Arg906Cys). This variant is not present in population databases (gnomAD no frequency). This variant has not been reported in the literature in individuals affected with PTCH1-related conditions. ClinVar contains an entry for this variant (Variation ID: 1038837). Advanced modeling of protein sequence and biophysical properties (such as structural, functional, and spatial information, amino acid conservation, physicochemical variation, residue mobility, and thermodynamic stability) has been performed at Invitae for this missense variant, however the output from this modeling did not meet the statistical confidence thresholds required to predict the impact of this variant on PTCH1 protein function. In summary, the available evidence is currently insufficient to determine the role of this variant in disease. Therefore, it has been classified as a Variant of Uncertain Significance.

NM_000264.5(PTCH1):c.2716C>T (p.Arg906Cys)

Gene: PTCH1 (patched 1; minus strand). Cytogenetic location: 9q22.32.
Variant type: single nucleotide variant.
Coding change: c.2716C>T on transcript NM_000264.5 (MANE Select); coding-DNA position 2716, C replaced by T.
Protein change: p.Arg906Cys; replaces arginine 906 with cysteine.
Molecular consequence: missense variant. On other transcripts: non-coding transcript variant (1).
Genome position (GRCh38, 1-based): chr9:95,459,771, G>A on the plus strand (C>T on the coding strand, the complement: PTCH1 is on the minus strand). VCF-style: chr9-95459771-G-A. GRCh37 (hg19) VCF-style: chr9-98222053-G-A.
Other names: c.2518C>T, p.Arg840Cys (NM_001083602.3); c.2713C>T, p.Arg905Cys (NM_001083603.3); c.2263C>T, p.Arg755Cys (NM_001083604.3, NM_001083605.3, NM_001083606.3 and 1 more transcripts); c.2560C>T, p.Arg854Cys (NM_001354918.2); c.2716C>T (NM_000264.3); short protein forms R854C, R755C, R840C, R905C, R906C.
Identifiers: ClinVar variation 1038837 (VCV001038837.11), dbSNP rs1588545099, ClinGen allele CA374113233.
Genomic context (GRCh38, chr9:95,459,771, plus strand): 5'-AAGCCGTCAGGTAGATGTAGAAAGCGCTGGGATTAATGATGCCATCTGCATCCACCAGAC[G>A]CTGTTTAGTCAACTACAAAAACGGGAAGAACAGAGGCCTTTGAGAATGGGGTTGGGGGTA-3'
Protein context (NP_000255.2, residues 896-916): PIDISQLTKQ[Arg906Cys]LVDADGIINP